The following is an entry in ClinVar:

ClinVar aggregate classification (germline): Pathogenic (1 of 4 stars; one submission).

Conditions:
Joubert syndrome. Also called: CEREBELLOPARENCHYMAL DISORDER IV; JOUBERT-BOLTSHAUSER SYNDROME; Familial aplasia of the vermis. Identifiers: Orphanet 475, MedGen C5979921, MONDO:0018772.
Meckel-Gruber syndrome. Also called: DYSENCEPHALIA SPLANCHNOCYSTICA; GRUBER SYNDROME; Dysencephalia splachnocystica. Identifiers: Orphanet 564, MedGen C0265215, MONDO:0018921.

Submission:

Labcorp Genetics (formerly Invitae), Labcorp
Classification: Pathogenic for Joubert syndrome; Meckel-Gruber syndrome. Last evaluated: 2022-12-15. Review status: criteria provided, single submitter. Criteria: Invitae Variant Classification Sherloc (09022015). Collection method: clinical testing. Allele origin: germline.
Comment: For these reasons, this variant has been classified as Pathogenic. This variant has not been reported in the literature in individuals affected with TMEM67-related conditions. This variant is not present in population databases (gnomAD no frequency). This sequence change creates a premature translational stop signal (p.Cys153*) in the TMEM67 gene. It is expected to result in an absent or disrupted protein product. Loss-of-function variants in TMEM67 are known to be pathogenic (PMID: 20232449, 23559409).

Literature cited by the submitters: PubMed 20232449; PubMed 23559409.

NM_153704.6(TMEM67):c.459_460del (p.Cys153_Asp154delinsTer)

Gene: TMEM67 (transmembrane protein 67; plus strand). Cytogenetic location: 8q22.1.
Variant type: Microsatellite.
Coding change: c.459_460del on transcript NM_153704.6 (MANE Select); coding-DNA positions 459 to 460, 2 bases deleted (TG; older notation c.459_460delTG).
Protein change: p.Cys153_Asp154delinsTer.
Molecular consequence: nonsense. On other transcripts: non-coding transcript variant (1).
Genome position (GRCh38, 1-based): chr8:93,763,894-93,763,895, TG deleted; deleting any 2 consecutive bases within chr8:93,763,892-93,763,895 gives the same sequence; the c. name uses the placement nearest the transcript's 3' end. VCF-style (leftmost placement, unchanged base first): chr8-93763891-CTG-C. GRCh37 (hg19) VCF-style: chr8-94776119-CTG-C.
Other names: c.216_217del, p.Cys72_Asp73delinsTer (NM_001142301.1).
Identifiers: ClinVar variation 1968555 (VCV001968555.5), dbSNP rs2536784649, ClinGen allele CA2580617195.